The following is an entry in ClinVar:

ClinVar aggregate classification (germline): Likely pathogenic. Review status: criteria provided, multiple submitters, no conflicts (2 of 4 stars). 2 submissions from 2 submitters: Likely pathogenic (2). Last evaluated 2023-11-08.

Conditions:
Retinitis pigmentosa 25 (RP25). Identifiers: Orphanet 791, MedGen C1864446, MONDO:0011272, OMIM 602772.

Submissions (2):

Baylor Genetics
Classification: Likely pathogenic for Retinitis pigmentosa 25. Last evaluated: 2023-11-08. Review status: criteria provided, single submitter. Criteria: ACMG Guidelines, 2015. Collection method: clinical testing. Allele origin: unknown.

Labcorp Genetics (formerly Invitae), Labcorp
Classification: Likely pathogenic. Last evaluated: 2023-04-18. Review status: criteria provided, single submitter. Criteria: Invitae Variant Classification Sherloc (09022015). Collection method: clinical testing. Allele origin: germline.
Comment: In summary, the currently available evidence indicates that the variant is pathogenic, but additional data are needed to prove that conclusively. Therefore, this variant has been classified as Likely Pathogenic. Algorithms developed to predict the effect of sequence changes on RNA splicing suggest that this variant may disrupt the consensus splice site. This variant has not been reported in the literature in individuals affected with EYS-related conditions. This variant is not present in population databases (gnomAD no frequency). This sequence change affects a donor splice site in intron 34 of the EYS gene. It is expected to disrupt RNA splicing. Variants that disrupt the donor or acceptor splice site typically lead to a loss of protein function (PMID: 16199547), and loss-of-function variants in EYS are known to be pathogenic (PMID: 18836446, 20333770).

Literature cited by the submitters: PubMed 16199547 (cited by Labcorp Genetics (formerly Invitae), Labcorp); PubMed 18836446 (cited by Labcorp Genetics (formerly Invitae), Labcorp); PubMed 20333770 (cited by Labcorp Genetics (formerly Invitae), Labcorp).

NM_001142800.2(EYS):c.6834+2T>C

Gene: EYS (EGF-like photoreceptor maintenance factor; minus strand). Cytogenetic location: 6q12.
Variant type: single nucleotide variant.
Coding change: c.6834+2T>C on transcript NM_001142800.2 (MANE Select); the canonical splice donor site of the intron after coding-DNA position 6834, T replaced by C.
Molecular consequence: splice donor variant.
Genome position (GRCh38, 1-based): chr6:63,999,073, A>G on the plus strand (T>C on the coding strand, the complement: EYS is on the minus strand). VCF-style: chr6-63999073-A-G. GRCh37 (hg19) VCF-style: chr6-64708966-A-G.
Other names: c.6834+2T>C (NM_001292009.2).
Identifiers: ClinVar variation 2675239 (VCV002675239.5), dbSNP rs2533373634, ClinGen allele CA364389424.